The following is an entry in ClinVar:

NM_001350451.2(RBFOX3):c.166G>A (p.Glu56Lys)

Gene: RBFOX3 (RNA binding fox-1 homolog 3; minus strand). Cytogenetic location: 17q25.3.
Variant type: single nucleotide variant.
Coding change: c.166G>A on transcript NM_001350451.2 (MANE Select); coding-DNA position 166, G replaced by A.
Protein change: p.Glu56Lys; replaces glutamic acid 56 with lysine.
Molecular consequence: missense variant.
Genome position (GRCh38, 1-based): chr17:79,115,550, C>T on the plus strand (G>A on the coding strand, the complement: RBFOX3 is on the minus strand). VCF-style: chr17-79115550-C-T. GRCh37 (hg19) VCF-style: chr17-77111632-C-T.
Other names: c.166G>A, p.Glu56Lys (NM_001082575.3, NM_001385813.1, NM_001385814.1 and 43 more transcripts); short protein forms E56K.
Identifiers: ClinVar variation 578018 (VCV000578018.8), dbSNP rs748110754, ClinGen allele CA8810343.

ClinVar aggregate classification (germline): Uncertain significance (1 of 4 stars; one submission).

Conditions:
Idiopathic generalized epilepsy. Also called: Generalised epilepsy; EIG. Identifiers: MedGen C0270850, MONDO:0005579, OMIM 600669.

Allele frequency attached by ClinVar (database versions not stated): gnomAD 0.00003; gnomAD exomes 0.00007; ExAC 0.00011; TOPMed 0.00002.
gnomAD v4.1: 72 of 1,334,718 alleles (0.0054%); highest among the groups gnomAD compares: Non-Finnish European, 0.0062%; no homozygotes.

Submission:

Labcorp Genetics (formerly Invitae), Labcorp
Classification: Uncertain significance for Idiopathic generalized epilepsy. Last evaluated: 2021-08-06. Review status: criteria provided, single submitter. Criteria: Invitae Variant Classification Sherloc (09022015). Collection method: clinical testing. Allele origin: germline.
Comment: This variant has not been reported in the literature in individuals with RBFOX3-related disease. In summary, the available evidence is currently insufficient to determine the role of this variant in disease. Therefore, it has been classified as a Variant of Uncertain Significance. Algorithms developed to predict the effect of missense changes on protein structure and function (SIFT, PolyPhen-2, Align-GVGD) all suggest that this variant is likely to be tolerated, but these predictions have not been confirmed by published functional studies and their clinical significance is uncertain. While this variant is present in population databases (rs748110754), the frequency information is unreliable, as metrics indicate poor data quality at this position in the ExAC database. This sequence change replaces glutamic acid with lysine at codon 56 of the RBFOX3 protein (p.Glu56Lys). The glutamic acid residue is moderately conserved and there is a small physicochemical difference between glutamic acid and lysine.